The following is an entry in ClinVar:

ClinVar aggregate classification (germline): Uncertain significance. Review status: criteria provided, multiple submitters, no conflicts (2 of 4 stars). 2 submissions from 2 submitters: Uncertain significance (2). Last evaluated 2026-04-01.

Conditions:
Inborn genetic diseases. Identifiers: MedGen C0950123, MeSH D030342.

Allele frequency attached by ClinVar (database versions not stated): ExAC 0.00001; gnomAD 0.00001; gnomAD exomes 0.00001; TOPMed 0.00001.
gnomAD v4.1: 11 of 1,613,884 alleles (0.00068%); highest among the groups gnomAD compares: Middle Eastern, 0.017%; no homozygotes.

Submissions (2):

CeGaT Center for Human Genetics Tuebingen
Classification: Uncertain significance. Last evaluated: 2026-04-01. Review status: criteria provided, single submitter. Criteria: CeGaT Center For Human Genetics Tuebingen Variant Classification Criteria Version 2. Collection method: clinical testing. Allele origin: germline. Affected: yes. Observed: 1 variant allele.
Comment: PDZD7: PM2, BP4

Ambry Genetics
Classification: Uncertain significance for Inborn genetic diseases. Last evaluated: 2021-10-26. Review status: criteria provided, single submitter. Criteria: Ambry Variant Classification Scheme 2023. Collection method: clinical testing. Allele origin: germline.

NM_001195263.2(PDZD7):c.1372A>G (p.Lys458Glu)

Gene: PDZD7 (PDZ domain containing 7; minus strand). Cytogenetic location: 10q24.31.
Variant type: single nucleotide variant.
Coding change: c.1372A>G on transcript NM_001195263.2 (MANE Select); coding-DNA position 1372, A replaced by G.
Protein change: p.Lys458Glu; replaces lysine 458 with glutamic acid.
Molecular consequence: missense variant.
Genome position (GRCh38, 1-based): chr10:101,018,249, T>C on the plus strand (A>G on the coding strand, the complement: PDZD7 is on the minus strand). VCF-style: chr10-101018249-T-C. GRCh37 (hg19) VCF-style: chr10-102778006-T-C.
Other names: c.1400A>G, p.Glu467Gly (NM_001351044.2); c.1372A>G, p.Lys458Glu (NM_024895.5); short protein forms E467G, K458E.
Identifiers: ClinVar variation 2257004 (VCV002257004.4), dbSNP rs759513929, ClinGen allele CA5654099.